The following is an entry in ClinVar:

ClinVar aggregate classification (germline): Conflicting classifications of pathogenicity. Review status: criteria provided, conflicting classifications (1 of 4 stars). 4 submissions from 4 submitters: Uncertain significance (2); Likely benign (2). Last evaluated 2025-10-08.

Conditions:
Hereditary spastic paraplegia. Also called: Familial spastic paraparesis. Identifiers: Orphanet 685, MedGen C0037773, MONDO:0019064. Disease mechanism: loss of function.
Hereditary spastic paraplegia 48. Also called: Spastic paraplegia 48; SPASTIC PARAPLEGIA 48, AUTOSOMAL RECESSIVE. Identifiers: Orphanet 306511, MedGen C3150901, MONDO:0013342, OMIM 613647.

Allele frequency attached by ClinVar (database versions not stated): ExAC 0.00019; gnomAD 0.00022 and 0.00023; TOPMed 0.00025; gnomAD exomes 0.00030.
gnomAD v4.1: 611 of 1,548,436 alleles (0.039%); highest among the groups gnomAD compares: Non-Finnish European, 0.05%; 2 homozygotes.

Submissions (4):

Labcorp Genetics (formerly Invitae), Labcorp
Classification: Likely benign for Hereditary spastic paraplegia 48. Last evaluated: 2025-10-08. Review status: criteria provided, single submitter. Criteria: Invitae Variant Classification Sherloc (09022015). Collection method: clinical testing. Allele origin: germline.

Mayo Clinic Laboratories, Mayo Clinic
Classification: Likely benign. Last evaluated: 2025-05-19. Review status: criteria provided, single submitter. Criteria: ACMG Guidelines, 2015. Collection method: clinical testing. Allele origin: germline. Observed: 1 variant allele.
Comment: BP4, BP7

Genome Diagnostics Laboratory, The Hospital for Sick Children
Classification: Uncertain significance for Hereditary spastic paraplegia. Last evaluated: 2018-04-12. Review status: criteria provided, single submitter. Criteria: ACMG Guidelines, 2015. Collection method: clinical testing. Allele origin: germline. Affected: yes.

Illumina Laboratory Services, Illumina
Classification: Uncertain significance for Hereditary spastic paraplegia 48. Last evaluated: 2018-01-13. Review status: criteria provided, single submitter. Criteria: ICSL Variant Classification Criteria 13 December 2019. Collection method: clinical testing. Allele origin: germline.

NM_014855.3(AP5Z1):c.1785G>T (p.Gly595=)

Gene: AP5Z1 (adaptor related protein complex 5 subunit zeta 1; plus strand). Cytogenetic location: 7p22.1.
Variant type: single nucleotide variant.
Coding change: c.1785G>T on transcript NM_014855.3 (MANE Select); coding-DNA position 1785, G replaced by T.
Protein change: p.Gly595=; no amino-acid change (glycine 595 retained).
Molecular consequence: synonymous variant. On other transcripts: non-coding transcript variant (1).
Genome position (GRCh38, 1-based): chr7:4,789,909, G>T. VCF-style: chr7-4789909-G-T. GRCh37 (hg19) VCF-style: chr7-4829540-G-T.
Other names: p.Gly595=; c.1317G>T, p.Gly439= (NM_001364858.1).
Identifiers: ClinVar variation 910808 (VCV000910808.15), dbSNP rs774921196, ClinGen allele CA4138023.